The following is an entry in ClinVar:

ClinVar aggregate classification (germline): Uncertain significance. Review status: criteria provided, multiple submitters, no conflicts (2 of 4 stars). 2 submissions from 2 submitters: Uncertain significance (2). Last evaluated 2025-08-20.

Conditions:
Drash syndrome (DDS). Also called: WILMS TUMOR AND PSEUDO- OR TRUE HERMAPHRODITISM; NEPHROPATHY, WILMS TUMOR, AND GENITAL ANOMALIES. Identifiers: Orphanet 220, MedGen C0950121, MONDO:0008682, OMIM 194080.
Wilms tumor 1 (WT1). Also called: Wilms tumor, somatic. Identifiers: Orphanet 654, MedGen CN033288, MONDO:0008679, OMIM 194070.
11p partial monosomy syndrome (WAGR). Also called: CHROMOSOME 11p13 DELETION SYNDROME; WAGR syndrome; WAGR Spectrum Disorder; WAGR Complex. Identifiers: Orphanet 893, MedGen C0206115, MONDO:0008681, OMIM 194072.
Frasier syndrome. Identifiers: Orphanet 347, MedGen C0950122, MeSH D052159, MONDO:0007635, OMIM 136680.
Inborn genetic diseases. Identifiers: MedGen C0950123, MeSH D030342.

gnomAD v4.1: 3 of 1,579,692 alleles (0.00019%); highest among the groups gnomAD compares: Non-Finnish European, 0.000086%; no homozygotes.

Submissions (2):

Ambry Genetics
Classification: Uncertain significance for Inborn genetic diseases. Last evaluated: 2025-08-20. Review status: criteria provided, single submitter. Criteria: Ambry Variant Classification Scheme 2023. Collection method: clinical testing. Allele origin: germline.
Comment: The p.P134L variant (also known as c.401C>T), located in coding exon 1 of the WT1 gene, results from a C to T substitution at nucleotide position 401. The proline at codon 134 is replaced by leucine, an amino acid with similar properties. This amino acid position is conserved. In addition, this alteration is predicted to be tolerated by in silico analysis. Based on the available evidence, the clinical significance of this variant remains unclear.

Labcorp Genetics (formerly Invitae), Labcorp
Classification: Uncertain significance for Wilms tumor 1; Drash syndrome; 11p partial monosomy syndrome; Frasier syndrome. Last evaluated: 2024-09-30. Review status: criteria provided, single submitter. Criteria: Invitae Variant Classification Sherloc (09022015). Collection method: clinical testing. Allele origin: germline.
Comment: This sequence change replaces proline, which is neutral and non-polar, with leucine, which is neutral and non-polar, at codon 134 of the WT1 protein (p.Pro134Leu). This variant is not present in population databases (gnomAD no frequency). This variant has not been reported in the literature in individuals affected with WT1-related conditions. Invitae Evidence Modeling of protein sequence and biophysical properties (such as structural, functional, and spatial information, amino acid conservation, physicochemical variation, residue mobility, and thermodynamic stability) has been performed for this missense variant. However, the output from this modeling did not meet the statistical confidence thresholds required to predict the impact of this variant on WT1 protein function. In summary, the available evidence is currently insufficient to determine the role of this variant in disease. Therefore, it has been classified as a Variant of Uncertain Significance.

NM_024426.6(WT1):c.416C>T (p.Pro139Leu)

Genes: WT1 (WT1 transcription factor; minus strand), LOC107982234 (WT1/WT1-AS bi-directional promoter region; plus strand). Cytogenetic location: 11p13.
Variant type: single nucleotide variant.
Coding change: c.416C>T on transcript NM_024426.6 (MANE Select); coding-DNA position 416, C replaced by T.
Protein change: p.Pro139Leu; replaces proline 139 with leucine.
Molecular consequence: missense variant. On other transcripts: non-coding transcript variant (2).
Genome position (GRCh38, 1-based): chr11:32,434,945, G>A on the plus strand (C>T on the coding strand, the complement: WT1 is on the minus strand). VCF-style: chr11-32434945-G-A. GRCh37 (hg19) VCF-style: chr11-32456491-G-A.
Other names: c.401C>T (NM_024426.4); c.416C>T, p.Pro139Leu (NM_000378.6, NM_001407044.1, NM_001407045.1 and 6 more transcripts); c.197C>T, p.Pro66Leu (NM_001429031.1, NM_001429032.1, NM_001429033.1 and 1 more transcripts); short protein forms P134L, P139L, P66L.
Identifiers: ClinVar variation 3763083 (VCV003763083.3).